The following is an entry in ClinVar:

NM_001035.3(RYR2):c.11722A>G (p.Lys3908Glu)

Gene: RYR2 (ryanodine receptor 2; plus strand). Cytogenetic location: 1q43.
Variant type: single nucleotide variant.
Coding change: c.11722A>G on transcript NM_001035.3 (MANE Select); coding-DNA position 11722, A replaced by G.
Protein change: p.Lys3908Glu; replaces lysine 3908 with glutamic acid.
Molecular consequence: missense variant.
Genome position (GRCh38, 1-based): chr1:237,773,595, A>G. VCF-style: chr1-237773595-A-G. GRCh37 (hg19) VCF-style: chr1-237936895-A-G.
Other names: short protein forms K3908E.
Identifiers: ClinVar variation 5028677 (VCV005028677.1).

ClinVar aggregate classification (germline): Uncertain significance (1 of 4 stars; one submission).

Conditions:
Cardiovascular phenotype. Identifiers: MedGen CN230736.

Submission:

Ambry Genetics
Classification: Uncertain significance for Cardiovascular phenotype. Last evaluated: 2026-07-06. Review status: criteria provided, single submitter. Criteria: Ambry Variant Classification Scheme 2023. Collection method: clinical testing. Allele origin: germline.
Comment: The p.K3908E variant (also known as c.11722A>G), located in coding exon 87 of the RYR2 gene, results from an A to G substitution at nucleotide position 11722. The lysine at codon 3908 is replaced by glutamic acid, an amino acid with similar properties. This amino acid position is conserved. In addition, this alteration is predicted to be deleterious by in silico analysis. Based on the available evidence, the clinical significance of this variant remains unclear.